The following is an entry in ClinVar:

ClinVar aggregate classification (germline): Conflicting classifications of pathogenicity. Review status: criteria provided, conflicting classifications (1 of 4 stars). 2 submissions from 2 submitters: Pathogenic (1); Uncertain significance (1). Last evaluated 2024-03-12.

Submissions (2):

Ambry Genetics
Classification: Uncertain significance. Last evaluated: 2024-03-12. Review status: criteria provided, single submitter. Criteria: Ambry Variant Classification Scheme 2023. Collection method: clinical testing. Allele origin: germline.
Comment: The c.1626delT variant, located in coding exon 11 of the RINT1 gene, results from a deletion of one nucleotide at nucleotide position 1626, causing a translational frameshift with a predicted alternate stop codon (p.V543*). This alteration is expected to result in loss of function by premature protein truncation or nonsense-mediated mRNA decay. The evidence for this gene-disease relationship is limited; therefore, the clinical significance of this alteration is unclear.

Labcorp Genetics (formerly Invitae), Labcorp
Classification: Pathogenic. Last evaluated: 2022-09-19. Review status: criteria provided, single submitter. Criteria: Invitae Variant Classification Sherloc (09022015). Collection method: clinical testing. Allele origin: germline.
Comment: This variant is not present in population databases (gnomAD no frequency). This sequence change creates a premature translational stop signal (p.Val543*) in the RINT1 gene. It is expected to result in an absent or disrupted protein product. Loss-of-function variants in RINT1 are known to be pathogenic (PMID: 31204009). For these reasons, this variant has been classified as Pathogenic. This variant has not been reported in the literature in individuals affected with RINT1-related conditions.

Literature cited by the submitters: PubMed 31204009 (cited by Labcorp Genetics (formerly Invitae), Labcorp).

NM_021930.6(RINT1):c.1626del (p.Ala542_Val543insTer)

Gene: RINT1 (RAD50 interactor 1; plus strand). Cytogenetic location: 7q22.3.
Variant type: Deletion.
Coding change: c.1626del on transcript NM_021930.6 (MANE Select); coding-DNA position 1626, one base deleted (T; older notation c.1626delT).
Protein change: p.Ala542_Val543insTer.
Molecular consequence: frameshift variant.
Genome position (GRCh38, 1-based): chr7:105,555,182, T deleted. VCF-style (leftmost placement, unchanged base first): chr7-105555181-CT-C. GRCh37 (hg19) VCF-style: chr7-105195628-CT-C.
Other names: c.1392del, p.Ala464_Val465insTer (NM_001346599.2); c.603del, p.Ala201_Val202insTer (NM_001346600.2, NM_001346603.2); c.702del, p.Ala234_Val235insTer (NM_001346601.2).
Identifiers: ClinVar variation 1776702 (VCV001776702.7), dbSNP rs2485150163, ClinGen allele CA2580076217.